The following is an entry in ClinVar:

ClinVar aggregate classification (germline): Uncertain significance (1 of 4 stars; one submission).

Allele frequency attached by ClinVar (database versions not stated): gnomAD exomes 0.00001.
gnomAD v4.1: 9 of 1,328,130 alleles (0.00068%); highest among the groups gnomAD compares: Non-Finnish European, 0.00092%; no homozygotes.

Submission:

Ambry Genetics
Classification: Uncertain significance. Last evaluated: 2022-05-21. Review status: criteria provided, single submitter. Criteria: Ambry Variant Classification Scheme 2023. Collection method: clinical testing. Allele origin: germline.
Comment: The p.A161S variant (also known as c.481G>T), located in coding exon 5 of the PRKDC gene, results from a G to T substitution at nucleotide position 481. The alanine at codon 161 is replaced by serine, an amino acid with similar properties. This amino acid position is conserved. In addition, this alteration is predicted to be tolerated by in silico analysis. Since supporting evidence is limited at this time, the clinical significance of this alteration remains unclear.

NM_006904.7(PRKDC):c.481G>T (p.Ala161Ser)

Gene: PRKDC (protein kinase, DNA-activated, catalytic subunit; minus strand). Cytogenetic location: 8q11.21.
Variant type: single nucleotide variant.
Coding change: c.481G>T on transcript NM_006904.7 (MANE Select); coding-DNA position 481, G replaced by T.
Protein change: p.Ala161Ser; replaces alanine 161 with serine.
Molecular consequence: missense variant.
Genome position (GRCh38, 1-based): chr8:47,954,365, C>A on the plus strand (G>T on the coding strand, the complement: PRKDC is on the minus strand). VCF-style: chr8-47954365-C-A. GRCh37 (hg19) VCF-style: chr8-48866925-C-A.
Other names: c.481G>T, p.Ala161Ser (NM_001081640.2); short protein forms A161S.
Identifiers: ClinVar variation 1743351 (VCV001743351.2), dbSNP rs2154504594, ClinGen allele CA371139052.